The following is an entry in ClinVar:

ClinVar aggregate classification (germline): Pathogenic (1 of 4 stars; one submission).

Conditions:
Sulfite oxidase deficiency due to molybdenum cofactor deficiency type A. Also called: Molybdenum cofactor deficiency, complementation group A; Molybdenum Cofactor Deficiency A. Identifiers: Orphanet 308386, Orphanet 833, MedGen C1854988, MONDO:0009643, OMIM 252150.

Submission:

Labcorp Genetics (formerly Invitae), Labcorp
Classification: Pathogenic for Sulfite oxidase deficiency due to molybdenum cofactor deficiency type A. Last evaluated: 2023-03-03. Review status: criteria provided, single submitter. Criteria: Invitae Variant Classification Sherloc (09022015). Collection method: clinical testing. Allele origin: unknown.
Comment: This variant has not been reported in the literature in individuals affected with MOCS1-related conditions. For these reasons, this variant has been classified as Pathogenic. This variant disrupts a region of the MOCS1 protein in which other variant(s) (p.Arg73Trp) have been determined to be pathogenic (PMID: 9921896, 20573177; Invitae). This suggests that this is a clinically significant region of the protein, and that variants that disrupt it are likely to be disease-causing. This variant results in the deletion of exon 2 and part of exon 3 (c.124-245_292del) of the MOCS1 gene. It is expected to disrupt RNA splicing. Variants that disrupt the donor or acceptor splice site typically lead to a loss of protein function (PMID: 16199547), and loss-of-function variants in MOCS1 are known to be pathogenic (PMID: 12754701, 16021469).

Literature cited by the submitters: PubMed 9921896; PubMed 20573177; PubMed 16199547; PubMed 12754701; PubMed 16021469.

NC_000006.11:g.(?_39893548)_(39895439_?)del

Gene: MOCS1 (molybdenum cofactor synthesis 1; minus strand). Cytogenetic location: 6p21.2.
Variant type: Deletion.
Identifiers: ClinVar variation 3246009 (VCV003246009.1).